The following is an entry in ClinVar:

ClinVar aggregate classification (germline): Uncertain significance. Review status: criteria provided, multiple submitters, no conflicts (2 of 4 stars). 3 submissions from 3 submitters: Uncertain significance (3). Last evaluated 2026-05-22.

Conditions:
Bardet-Biedl syndrome 15 (BBS15). Identifiers: Orphanet 110, MedGen C3150127, MONDO:0014443, OMIM 615992.
Heart defect - tongue hamartoma - polysyndactyly syndrome. Also called: Congenital heart defects, hamartomas of tongue, and polysyndactyly. Identifiers: Orphanet 1338, MedGen C1857587, MONDO:0009008, OMIM 217085.
Bardet-Biedl syndrome (BBS). Identifiers: Orphanet 110, MedGen C0752166, MONDO:0015229.
WDPCP-related disorder. Also called: WDPCP-related condition.

Allele frequency attached by ClinVar (database versions not stated): gnomAD 0.00003; ExAC 0.00004; gnomAD exomes 0.00004; TOPMed 0.00006; 1000 Genomes Project 30x 0.00016; 1000 Genomes Project 0.00020.
gnomAD v4.1: 78 of 1,612,916 alleles (0.0048%); highest among the groups gnomAD compares: Middle Eastern, 0.017%; no homozygotes.

Submissions (3):

PreventionGenetics, part of Exact Sciences
Classification: Uncertain significance for WDPCP-related condition. Last evaluated: 2026-05-22. Review status: criteria provided, single submitter. Criteria: ACMG Guidelines, 2015. Collection method: clinical testing. Allele origin: germline.
Comment: The WDPCP c.158C>T variant is predicted to result in the amino acid substitution p.Ala53Val. To our knowledge, this variant has not been reported in the literature. This variant is reported in 0.012% of alleles in individuals of African descent in gnomAD. At this time, the clinical significance of this variant is uncertain due to the absence of conclusive functional and genetic evidence.

Fulgent Genetics
Classification: Uncertain significance for Heart defect - tongue hamartoma - polysyndactyly syndrome; Bardet-Biedl syndrome 15. Last evaluated: 2024-04-23. Review status: criteria provided, single submitter. Criteria: ACMG Guidelines, 2015. Collection method: clinical testing. Allele origin: germline.

Labcorp Genetics (formerly Invitae), Labcorp
Classification: Uncertain significance for Bardet-Biedl syndrome. Last evaluated: 2022-09-13. Review status: criteria provided, single submitter. Criteria: Invitae Variant Classification Sherloc (09022015). Collection method: clinical testing. Allele origin: germline.
Comment: This sequence change replaces alanine, which is neutral and non-polar, with valine, which is neutral and non-polar, at codon 53 of the WDPCP protein (p.Ala53Val). This variant is present in population databases (rs149347732, gnomAD 0.01%). This variant has not been reported in the literature in individuals affected with WDPCP-related conditions. ClinVar contains an entry for this variant (Variation ID: 1023164). Algorithms developed to predict the effect of missense changes on protein structure and function (SIFT, PolyPhen-2, Align-GVGD) all suggest that this variant is likely to be tolerated. Algorithms developed to predict the effect of sequence changes on RNA splicing suggest that this variant may disrupt the consensus splice site. In summary, the available evidence is currently insufficient to determine the role of this variant in disease. Therefore, it has been classified as a Variant of Uncertain Significance.

NM_015910.7(WDPCP):c.158C>T (p.Ala53Val)

Gene: WDPCP (WD repeat containing planar cell polarity effector; minus strand). Cytogenetic location: 2p15.
Variant type: single nucleotide variant.
Coding change: c.158C>T on transcript NM_015910.7 (MANE Select); coding-DNA position 158, C replaced by T.
Protein change: p.Ala53Val; replaces alanine 53 with valine.
Molecular consequence: missense variant. On other transcripts: non-coding transcript variant (2).
Genome position (GRCh38, 1-based): chr2:63,492,858, G>A on the plus strand (C>T on the coding strand, the complement: WDPCP is on the minus strand). VCF-style: chr2-63492858-G-A. GRCh37 (hg19) VCF-style: chr2-63719992-G-A.
Other names: c.86C>T, p.Ala29Val (NM_001354044.2); c.158C>T, p.Ala53Val (NM_001354045.2); c.158C>T (NM_015910.5); short protein forms A29V, A53V.
Identifiers: ClinVar variation 1023164 (VCV001023164.7), dbSNP rs149347732, ClinGen allele CA1682607.
Genomic context (GRCh38, chr2:63,492,858, plus strand): 5'-TATTTATAATGGTGTAACATATTTGAAAAATATTGAAATTAATCCAGAGCTCATTTACCC[G>A]CAATGTGTAAGGTATTCTTCAAAGACCACAGGTGCAGTTCAGTCAAGCAGAAAGACATCT-3'
Protein context (NP_056994.3, residues 43-63): LWSLKNTLHI[Ala53Val]DRDIGIYQYY